The following is an entry in ClinVar:

ClinVar aggregate classification (germline): Pathogenic (1 of 4 stars; one submission).

Submission:

Labcorp Genetics (formerly Invitae), Labcorp
Classification: Pathogenic. Last evaluated: 2024-01-02. Review status: criteria provided, single submitter. Criteria: Invitae Variant Classification Sherloc (09022015). Collection method: clinical testing. Allele origin: unknown.
Comment: This variant is a gross deletion of the genomic region encompassing exon(s) 24-27 of the ABCC6 gene. This variant would be expected to be in-frame, preserving the integrity of the reading frame. A similar copy number variant has been observed in individual(s) with pseudoxanthoma elasticum (PMID: 17823974, 25367056). In at least one individual the data is consistent with being in trans (on the opposite chromosome) from a pathogenic variant. For these reasons, this variant has been classified as Pathogenic.

Literature cited by the submitters: PubMed 17823974; PubMed 25367056.

NC_000016.9:g.(?_16251500)_(16257069_?)del

Gene: ABCC6 (ATP binding cassette subfamily C member 6; minus strand). Cytogenetic location: 16p13.11.
Variant type: Deletion.
Identifiers: ClinVar variation 3243620 (VCV003243620.1).